The following is an entry in ClinVar:

ClinVar aggregate classification (germline): Likely pathogenic (1 of 4 stars; one submission).

Allele frequency attached by ClinVar (database versions not stated): ExAC 0.00001.

Submission:

Labcorp Genetics (formerly Invitae), Labcorp
Classification: Likely pathogenic. Last evaluated: 2023-09-01. Review status: criteria provided, single submitter. Criteria: Invitae Variant Classification Sherloc (09022015). Collection method: clinical testing. Allele origin: germline.
Comment: In summary, the currently available evidence indicates that the variant is pathogenic, but additional data are needed to prove that conclusively. Therefore, this variant has been classified as Likely Pathogenic. Algorithms developed to predict the effect of sequence changes on RNA splicing suggest that this variant may disrupt the consensus splice site. This variant has not been reported in the literature in individuals affected with PNPT1-related conditions. This variant is present in population databases (rs781680364, gnomAD no frequency). This sequence change affects a donor splice site in intron 20 of the PNPT1 gene. It is expected to disrupt RNA splicing. Variants that disrupt the donor or acceptor splice site typically lead to a loss of protein function (PMID: 16199547), and loss-of-function variants in PNPT1 are known to be pathogenic (PMID: 28594066, 30244537).

Literature cited by the submitters: PubMed 16199547; PubMed 28594066; PubMed 30244537.

NM_033109.5(PNPT1):c.1674+1G>A

Gene: PNPT1 (polyribonucleotide nucleotidyltransferase 1; minus strand). Cytogenetic location: 2p16.1.
Variant type: single nucleotide variant.
Coding change: c.1674+1G>A on transcript NM_033109.5 (MANE Select); the canonical splice donor site of the intron after coding-DNA position 1674, G replaced by A.
Molecular consequence: splice donor variant.
Genome position (GRCh38, 1-based): chr2:55,646,414, C>T on the plus strand (G>A on the coding strand, the complement: PNPT1 is on the minus strand). VCF-style: chr2-55646414-C-T. GRCh37 (hg19) VCF-style: chr2-55873549-C-T.
Identifiers: ClinVar variation 2716597 (VCV002716597.3), dbSNP rs781680364, ClinGen allele CA1668005.
Genomic context (GRCh38, chr2:55,646,414, plus strand): 5'-TATTGACTCATGGCATTATTTAAATGTTACAAAAATGAAACAAAATGGGTTTTAAAAATA[C>T]CTGTAATGCAGTTATTCCTTTATTAGTGCCAGCTATTTTGAAGTCCATGTCACCATTGTA-3'